The following is an entry in ClinVar:

ClinVar aggregate classification (germline): Uncertain significance (1 of 4 stars; one submission).

Submission:

Ambry Genetics
Classification: Uncertain significance. Last evaluated: 2026-06-01. Review status: criteria provided, single submitter. Criteria: Ambry Variant Classification Scheme 2023. Collection method: clinical testing. Allele origin: germline.
Comment: The p.P829S variant (also known as c.2485C>T), located in coding exon 11 of the WNK2 gene, results from a C to T substitution at nucleotide position 2485. The proline at codon 829 is replaced by serine, an amino acid with similar properties. This amino acid position is conserved. In addition, this alteration is predicted to be tolerated by in silico analysis. Based on the available evidence, the clinical significance of this variant remains unclear.

NM_006648.4(WNK2):c.2485C>T (p.Pro829Ser)

Gene: WNK2 (WNK lysine deficient protein kinase 2; plus strand). Cytogenetic location: 9q22.31.
Variant type: single nucleotide variant.
Coding change: c.2485C>T on transcript NM_006648.4 (MANE Select); coding-DNA position 2485, C replaced by T.
Protein change: p.Pro829Ser; replaces proline 829 with serine.
Molecular consequence: missense variant.
Genome position (GRCh38, 1-based): chr9:93,259,033, C>T. VCF-style: chr9-93259033-C-T. GRCh37 (hg19) VCF-style: chr9-96021315-C-T.
Other names: c.2485C>T, p.Pro829Ser (NM_001282394.3); short protein forms P829S.
Identifiers: ClinVar variation 4866721 (VCV004866721.1).